The following is an entry in ClinVar:

ClinVar aggregate classification (germline): Uncertain significance (1 of 4 stars; one submission).

Conditions:
Cardiovascular phenotype. Identifiers: MedGen CN230736.

Submission:

Ambry Genetics
Classification: Uncertain significance for Cardiovascular phenotype. Last evaluated: 2026-06-09. Review status: criteria provided, single submitter. Criteria: Ambry Variant Classification Scheme 2023. Collection method: clinical testing. Allele origin: germline.
Comment: The p.L10F variant (also known as c.30G>T), located in coding exon 1 of the FKTN gene, results from a G to T substitution at nucleotide position 30. The leucine at codon 10 is replaced by phenylalanine, an amino acid with highly similar properties. This amino acid position is conserved. In addition, the in silico prediction for this alteration is inconclusive. Based on the available evidence, the clinical significance of this variant remains unclear.

NM_001079802.2(FKTN):c.30G>T (p.Leu10Phe)

Gene: FKTN (fukutin; plus strand). Cytogenetic location: 9q31.2.
Variant type: single nucleotide variant.
Coding change: c.30G>T on transcript NM_001079802.2 (MANE Select); coding-DNA position 30, G replaced by T.
Protein change: p.Leu10Phe; replaces leucine 10 with phenylalanine.
Molecular consequence: missense variant. On other transcripts: 5 prime UTR variant (5), non-coding transcript variant (2).
Genome position (GRCh38, 1-based): chr9:105,575,062, G>T. VCF-style: chr9-105575062-G-T. GRCh37 (hg19) VCF-style: chr9-108337343-G-T.
Other names: c.30G>T, p.Leu10Phe (NM_001351498.2, NM_006731.2, NM_001198963.2 and 1 more transcripts); c.-485G>T (NM_001351499.2, NM_001351500.2, NM_001351501.2 and 1 more transcripts); c.-138G>T (NM_001351497.2); short protein forms L10F.
Identifiers: ClinVar variation 4871356 (VCV004871356.1).
Genomic context (GRCh38, chr9:105,575,062, plus strand): 5'-CAAAAGACAACCAAGTGAGCAGCACAGACTAATGAGTAGAATCAATAAGAACGTGGTTTT[G>T]GCCCTTTTAACGCTGACAAGTTCTGCATTTCTGCTGTTTCAGTTGTACTACTACAAGCAC-3'
Protein context (NP_001073270.1, residues 1-20): MSRINKNVV[Leu10Phe]ALLTLTSSAF